The following is an entry in ClinVar:

NM_002471.4(MYH6):c.3287T>C (p.Ile1096Thr)

Gene: MYH6 (myosin heavy chain 6; minus strand). Cytogenetic location: 14q11.2.
Variant type: single nucleotide variant.
Coding change: c.3287T>C on transcript NM_002471.4 (MANE Select); coding-DNA position 3287, T replaced by C.
Protein change: p.Ile1096Thr; replaces isoleucine 1096 with threonine.
Molecular consequence: missense variant.
Genome position (GRCh38, 1-based): chr14:23,392,617, A>G on the plus strand (T>C on the coding strand, the complement: MYH6 is on the minus strand). VCF-style: chr14-23392617-A-G. GRCh37 (hg19) VCF-style: chr14-23861826-A-G.
Other names: short protein forms I1096T.
Identifiers: ClinVar variation 1015964 (VCV001015964.17), dbSNP rs762901493, ClinGen allele CA7115234.

ClinVar aggregate classification (germline): Uncertain significance. Review status: criteria provided, multiple submitters, no conflicts (2 of 4 stars). 5 submissions from 5 submitters: Uncertain significance (5). Last evaluated 2026-04-17.

Conditions:
Cardiovascular phenotype. Identifiers: MedGen CN230736.
Hypertrophic cardiomyopathy 14. Identifiers: MedGen C2750467, MONDO:0013197, OMIM 613251.
Atrial septal defect 3 (ASD3). Identifiers: Orphanet 1478, MedGen C3279790, MONDO:0013567, OMIM 614089.
Sick sinus syndrome 3, susceptibility to (SSS3). Identifiers: Orphanet 166282, MedGen C3279791, MONDO:0013568, OMIM 614090.
Hypertrophic cardiomyopathy 1 (CMH1). Also called: MYH7-Related Familial Hypertrophic Cardiomyopathy; Familial hypertrophic cardiomyopathy 1. Identifiers: MedGen C3495498, MONDO:0008647, OMIM 192600.
Dilated cardiomyopathy 1EE (CMD1EE). Identifiers: Orphanet 154, MedGen C2750466, MONDO:0013198, OMIM 613252.

Allele frequency attached by ClinVar (database versions not stated): gnomAD exomes 0.00002; TOPMed 0.00002; gnomAD 0.00004.
gnomAD v4.1: 39 of 1,511,100 alleles (0.0026%); highest among the groups gnomAD compares: African/African-American, 0.0031%; no homozygotes.

Submissions (5):

Women's Health and Genetics/Laboratory Corporation of America, LabCorp
Classification: Uncertain significance. Last evaluated: 2026-04-17. Review status: criteria provided, single submitter. Criteria: LabCorp Variant Classification Summary - May 2015. Collection method: clinical testing. Allele origin: germline.

Labcorp Genetics (formerly Invitae), Labcorp
Classification: Uncertain significance for Hypertrophic cardiomyopathy 14. Last evaluated: 2025-07-22. Review status: criteria provided, single submitter. Criteria: Invitae Variant Classification Sherloc (09022015). Collection method: clinical testing. Allele origin: germline.
Comment: This sequence change replaces isoleucine, which is neutral and non-polar, with threonine, which is neutral and polar, at codon 1096 of the MYH6 protein (p.Ile1096Thr). This variant is present in population databases (rs762901493, gnomAD 0.004%). This variant has not been reported in the literature in individuals affected with MYH6-related conditions. ClinVar contains an entry for this variant (Variation ID: 1015964). Invitae Evidence Modeling of protein sequence and biophysical properties (such as structural, functional, and spatial information, amino acid conservation, physicochemical variation, residue mobility, and thermodynamic stability) indicates that this missense variant is not expected to disrupt MYH6 protein function with a negative predictive value of 80%. In summary, the available evidence is currently insufficient to determine the role of this variant in disease. Therefore, it has been classified as a Variant of Uncertain Significance.

Ambry Genetics
Classification: Uncertain significance for Cardiovascular phenotype. Last evaluated: 2024-03-19. Review status: criteria provided, single submitter. Criteria: Ambry Variant Classification Scheme 2023. Collection method: clinical testing. Allele origin: germline.
Comment: The p.I1096T variant (also known as c.3287T>C), located in coding exon 23 of the MYH6 gene, results from a T to C substitution at nucleotide position 3287. The isoleucine at codon 1096 is replaced by threonine, an amino acid with similar properties. This amino acid position is well conserved in available vertebrate species. In addition, this alteration is predicted to be deleterious by in silico analysis. Since supporting evidence is limited at this time, the clinical significance of this alteration remains unclear.

GeneDx
Classification: Uncertain significance. Last evaluated: 2022-02-21. Review status: criteria provided, single submitter. Criteria: GeneDx Variant Classification Process June 2021. Collection method: clinical testing. Allele origin: germline. Affected: yes.
Comment: Has not been previously published as pathogenic or benign to our knowledge; Not observed at significant frequency in large population cohorts (gnomAD); In silico analysis supports that this missense variant has a deleterious effect on protein structure/function; This variant is associated with the following publications: (PMID: 27535533)

Fulgent Genetics
Classification: Uncertain significance for Hypertrophic cardiomyopathy 1; Hypertrophic cardiomyopathy 14; Dilated cardiomyopathy 1EE; Atrial septal defect 3; Sick sinus syndrome 3, susceptibility to. Last evaluated: 2021-10-06. Review status: criteria provided, single submitter. Criteria: ACMG Guidelines, 2015. Collection method: clinical testing. Allele origin: unknown.